The following is an entry in ClinVar:

ClinVar aggregate classification (germline): Uncertain significance (1 of 4 stars; one submission).

Submission:

Labcorp Genetics (formerly Invitae), Labcorp
Classification: Uncertain significance. Last evaluated: 2024-04-25. Review status: criteria provided, single submitter. Criteria: Invitae Variant Classification Sherloc (09022015). Collection method: clinical testing. Allele origin: germline.
Comment: This sequence change replaces glycine, which is neutral and non-polar, with serine, which is neutral and polar, at codon 742 of the ADGRE2 protein (p.Gly742Ser). This variant is not present in population databases (gnomAD no frequency). This variant has not been reported in the literature in individuals affected with ADGRE2-related conditions. An algorithm developed to predict the effect of missense changes on protein structure and function (PolyPhen-2) suggests that this variant is likely to be disruptive. In summary, the available evidence is currently insufficient to determine the role of this variant in disease. Therefore, it has been classified as a Variant of Uncertain Significance.

NM_013447.4(ADGRE2):c.2224G>A (p.Gly742Ser)

Gene: ADGRE2 (adhesion G protein-coupled receptor E2; minus strand). Cytogenetic location: 19p13.12.
Variant type: single nucleotide variant.
Coding change: c.2224G>A on transcript NM_013447.4 (MANE Select); coding-DNA position 2224, G replaced by A.
Protein change: p.Gly742Ser; replaces glycine 742 with serine.
Molecular consequence: missense variant.
Genome position (GRCh38, 1-based): chr19:14,743,744, C>T on the plus strand (G>A on the coding strand, the complement: ADGRE2 is on the minus strand). VCF-style: chr19-14743744-C-T. GRCh37 (hg19) VCF-style: chr19-14854556-C-T.
Other names: c.2077G>A, p.Gly693Ser (NM_152916.2); c.1945G>A, p.Gly649Ser (NM_152917.2); c.2050G>A, p.Gly684Ser (NM_001271052.1); short protein forms G693S, G742S, G649S, G684S.
Identifiers: ClinVar variation 2762574 (VCV002762574.3), dbSNP rs2512949480, ClinGen allele CA404451379.